The following is an entry in ClinVar:

NM_018192.4(P3H2):c.2039G>A (p.Arg680Gln)

Gene: P3H2 (prolyl 3-hydroxylase 2; minus strand). Cytogenetic location: 3q28.
Variant type: single nucleotide variant.
Coding change: c.2039G>A on transcript NM_018192.4 (MANE Select); coding-DNA position 2039, G replaced by A.
Protein change: p.Arg680Gln; replaces arginine 680 with glutamine.
Molecular consequence: missense variant.
Genome position (GRCh38, 1-based): chr3:189,958,000, C>T on the plus strand (G>A on the coding strand, the complement: P3H2 is on the minus strand). VCF-style: chr3-189958000-C-T. GRCh37 (hg19) VCF-style: chr3-189675789-C-T.
Other names: c.1496G>A, p.Arg499Gln (NM_001134418.2); short protein forms R499Q, R680Q.
Identifiers: ClinVar variation 941936 (VCV000941936.7), dbSNP rs571855250, ClinGen allele CA2752671.

ClinVar aggregate classification (germline): Uncertain significance. Review status: criteria provided, multiple submitters, no conflicts (2 of 4 stars). 4 submissions from 4 submitters: Uncertain significance (4). Last evaluated 2025-02-14.

Conditions:
P3H2-related disorder. Also called: P3H2-related condition.
Inborn genetic diseases. Identifiers: MedGen C0950123, MeSH D030342.

Allele frequency attached by ClinVar (database versions not stated): gnomAD 0.00002 and 0.00003; gnomAD exomes 0.00002; ExAC 0.00003; TOPMed 0.00006; 1000 Genomes Project 0.00020; 1000 Genomes Project 30x 0.00031.
gnomAD v4.1: 29 of 1,612,046 alleles (0.0018%); highest among the groups gnomAD compares: Non-Finnish European, 0.0023%; no homozygotes.

Submissions (4):

PreventionGenetics, part of Exact Sciences
Classification: Uncertain significance for P3H2-related condition. Last evaluated: 2025-02-14. Review status: criteria provided, single submitter. Criteria: ACMG Guidelines, 2015. Collection method: clinical testing. Allele origin: germline.
Comment: The P3H2 c.2039G>A variant is predicted to result in the amino acid substitution p.Arg680Gln. To our knowledge, this variant has not been reported in the literature. This variant is reported in 0.0062% of alleles in individuals of African descent in gnomAD. At this time, the clinical significance of this variant is uncertain due to the absence of conclusive functional and genetic evidence.

Ambry Genetics
Classification: Uncertain significance for Inborn genetic diseases. Last evaluated: 2024-06-13. Review status: criteria provided, single submitter. Criteria: Ambry Variant Classification Scheme 2023. Collection method: clinical testing. Allele origin: germline.

GeneDx
Classification: Uncertain significance. Last evaluated: 2024-05-31. Review status: criteria provided, single submitter. Criteria: GeneDx Variant Classification Process June 2021. Collection method: clinical testing. Allele origin: germline. Affected: yes.
Comment: In silico analysis supports that this missense variant has a deleterious effect on protein structure/function; Has not been previously published as pathogenic or benign to our knowledge

Labcorp Genetics (formerly Invitae), Labcorp
Classification: Uncertain significance. Last evaluated: 2022-10-13. Review status: criteria provided, single submitter. Criteria: Invitae Variant Classification Sherloc (09022015). Collection method: clinical testing. Allele origin: germline.
Comment: This sequence change replaces arginine, which is basic and polar, with glutamine, which is neutral and polar, at codon 680 of the P3H2 protein (p.Arg680Gln). This variant is present in population databases (rs571855250, gnomAD 0.007%). This variant has not been reported in the literature in individuals affected with P3H2-related conditions. ClinVar contains an entry for this variant (Variation ID: 941936). Advanced modeling of protein sequence and biophysical properties (such as structural, functional, and spatial information, amino acid conservation, physicochemical variation, residue mobility, and thermodynamic stability) performed at Invitae indicates that this missense variant is expected to disrupt P3H2 protein function. In summary, the available evidence is currently insufficient to determine the role of this variant in disease. Therefore, it has been classified as a Variant of Uncertain Significance.